The following is an entry in ClinVar:

ClinVar aggregate classification (germline): Likely pathogenic (1 of 4 stars; one submission).

Conditions:
Marfan syndrome (MFS). Also called: FBN1-Related Marfan Syndrome; Marfan syndrome type 1; Marfan's syndrome; Marfan syndrome, classic; MARFAN SYNDROME, TYPE I. Identifiers: Orphanet 284963, Orphanet 558, MedGen C0024796, MONDO:0007947, OMIM 154700.

Submission:

Women's Health and Genetics/Laboratory Corporation of America, LabCorp
Classification: Likely pathogenic for Marfan Syndrome. Last evaluated: 2011-08-18. Review status: criteria provided, single submitter. Criteria: LabCorp Variant Classification Summary - May 2015. Collection method: curation, clinical testing. Allele origin: germline. Inheritance: autosomal unknown. Affected: yes.
ClinVar note: Converted during submission from likely pathogenic to Likely pathogenic.

NM_000138.5(FBN1):c.266G>C (p.Cys89Ser)

Gene: FBN1 (fibrillin 1; minus strand). Cytogenetic location: 15q21.1.
Variant type: single nucleotide variant.
Coding change: c.266G>C on transcript NM_000138.5 (MANE Select); coding-DNA position 266, G replaced by C.
Protein change: p.Cys89Ser; replaces cysteine 89 with serine.
Molecular consequence: missense variant.
Genome position (GRCh38, 1-based): chr15:48,610,808, C>G on the plus strand (G>C on the coding strand, the complement: FBN1 is on the minus strand). VCF-style: chr15-48610808-C-G. GRCh37 (hg19) VCF-style: chr15-48903005-C-G.
Other names: short protein forms C89S.
Identifiers: ClinVar variation 36055 (VCV000036055.3), dbSNP rs112660651, ClinGen allele CA013283.